The following is an entry in ClinVar:

ClinVar aggregate classification (germline): Likely pathogenic (1 of 4 stars; one submission).

Submission:

Dasa
Classification: Likely pathogenic. Last evaluated: 2025-12-11. Review status: criteria provided, single submitter. Criteria: DASA Assertion Criteria. Collection method: clinical testing. Allele origin: germline.
Comment: NM_001267550.2(TTN):c.55424_55425del (p.Lys18475Serfs*15) introduces a premature termination codon predicted to result in loss of normal protein function. Loss-of-function is an established mechanism of disease for this gene. The variant is present at low frequency in population datasets. Based on the available data, this variant is classified as likely pathogenic.

NM_001267550.2(TTN):c.55424_55425del (p.Lys18475fs)

Genes: TTN (titin; minus strand), TTN-AS1 (TTN antisense RNA 1; plus strand). Cytogenetic location: 2q31.2.
Variant type: Deletion.
Coding change: c.55424_55425del on transcript NM_001267550.2 (MANE Select); coding-DNA positions 55424 to 55425, 2 bases deleted (AA; older notation c.55424_55425delAA).
Protein change: p.Lys18475fs; shifts the reading frame from lysine 18475.
Molecular consequence: frameshift variant.
Genome position (GRCh38, 1-based): chr2:178,601,665-178,601,666, TT deleted on the plus strand (AA on the coding strand, the reverse complement: TTN is on the minus strand); deleting any 2 consecutive bases within chr2:178,601,665-178,601,667 gives the same sequence; the c. name uses the placement nearest the transcript's 3' end. VCF-style (leftmost placement, unchanged base first): chr2-178601664-CTT-C. GRCh37 (hg19) VCF-style: chr2-179466391-CTT-C.
Other names: c.50501_50502del, p.Lys16834fs (NM_001256850.1); c.28229_28230del, p.Lys9410fs (NM_003319.4); c.47720_47721del, p.Lys15907fs (NM_133378.4); c.28604_28605del, p.Lys9535fs (NM_133432.3); c.28805_28806del, p.Lys9602fs (NM_133437.4); short protein forms K15907fs, K16834fs, K18475fs, K9410fs, K9535fs, K9602fs.
Identifiers: ClinVar variation 4851881 (VCV004851881.1).